The following is an entry in ClinVar:

NM_173630.4(RTTN):c.3800T>G (p.Leu1267Ter)

Gene: RTTN (rotatin; minus strand). Cytogenetic location: 18q22.2.
Variant type: single nucleotide variant.
Coding change: c.3800T>G on transcript NM_173630.4 (MANE Select); coding-DNA position 3800, T replaced by G.
Protein change: p.Leu1267Ter; replaces leucine 1267 with a stop codon.
Molecular consequence: nonsense.
Genome position (GRCh38, 1-based): chr18:70,109,601, A>C on the plus strand (T>G on the coding strand, the complement: RTTN is on the minus strand). VCF-style: chr18-70109601-A-C. GRCh37 (hg19) VCF-style: chr18-67776837-A-C.
Other names: c.1064T>G, p.Leu355Ter (NM_001318520.2); short protein forms L1267*, L355*.
Identifiers: ClinVar variation 3723571 (VCV003723571.2).

ClinVar aggregate classification (germline): Pathogenic (1 of 4 stars; one submission).

Submission:

Labcorp Genetics (formerly Invitae), Labcorp
Classification: Pathogenic. Last evaluated: 2024-10-30. Review status: criteria provided, single submitter. Criteria: Invitae Variant Classification Sherloc (09022015). Collection method: clinical testing. Allele origin: germline.
Comment: This sequence change creates a premature translational stop signal (p.Leu1267*) in the RTTN gene. It is expected to result in an absent or disrupted protein product. Loss-of-function variants in RTTN are known to be pathogenic (PMID: 26608784, 26846091). This variant is not present in population databases (gnomAD no frequency). This variant has not been reported in the literature in individuals affected with RTTN-related conditions. For these reasons, this variant has been classified as Pathogenic.

Literature cited by the submitters: PubMed 26608784; PubMed 26846091.